The following is an entry in ClinVar:

NM_001354712.2(THRB):c.1368G>C (p.Leu456Phe)

Gene: THRB (thyroid hormone receptor beta; minus strand). Cytogenetic location: 3p24.2.
Variant type: single nucleotide variant.
Coding change: c.1368G>C on transcript NM_001354712.2 (MANE Select); coding-DNA position 1368, G replaced by C.
Protein change: p.Leu456Phe; replaces leucine 456 with phenylalanine.
Molecular consequence: missense variant.
Genome position (GRCh38, 1-based): chr3:24,122,902, C>G on the plus strand (G>C on the coding strand, the complement: THRB is on the minus strand). VCF-style: chr3-24122902-C-G. GRCh37 (hg19) VCF-style: chr3-24164393-C-G.
Other names: c.1368G>C, p.Leu456Phe (NM_000461.5, NM_001128176.3, NM_001128177.2 and 11 more transcripts); c.1275G>C, p.Leu425Phe (NM_001354714.2, NM_001354715.2); c.1197G>C, p.Leu399Phe (NM_001374827.1); short protein forms L399F, L425F, L456F.
Identifiers: ClinVar variation 3366345 (VCV003366345.1).

ClinVar aggregate classification (germline): Uncertain significance (1 of 4 stars; one submission).

Submission:

Women's Health and Genetics/Laboratory Corporation of America, LabCorp
Classification: Uncertain significance. Last evaluated: 2024-08-09. Review status: criteria provided, single submitter. Criteria: LabCorp Variant Classification Summary - May 2015. Collection method: clinical testing. Allele origin: germline.
Comment: Variant summary: THRB c.1368G>C (p.Leu456Phe) results in a non-conservative amino acid change located in the Nuclear hormone receptor, ligand-binding domain (IPR000536) of the encoded protein sequence. Four of five in-silico tools predict a damaging effect of the variant on protein function. The variant was absent in 251490 control chromosomes. The available data on variant occurrences in the general population are insufficient to allow any conclusion about variant significance. To our knowledge, no occurrence of c.1368G>C in individuals affected with Thyroid Hormone Resistance, Generalized, Autosomal Dominant and no experimental evidence demonstrating its impact on protein function have been reported. No submitters have cited clinical-significance assessments for this variant to ClinVar. Based on the evidence outlined above, the variant was classified as uncertain significance.